The following is an entry in ClinVar:

ClinVar aggregate classification (germline): Uncertain significance. Review status: criteria provided, multiple submitters, no conflicts (2 of 4 stars). 2 submissions from 2 submitters: Uncertain significance (2). Last evaluated 2025-11-09.

Conditions:
Myopathy, proximal, and ophthalmoplegia (CMYO6). Also called: INCLUSION BODY MYOPATHY 3, AUTOSOMAL DOMINANT; MYOPATHY WITH CONGENITAL JOINT CONTRACTURES, OPHTHALMOPLEGIA, AND RIMMED VACUOLES; CONGENITAL MYOPATHY 6 WITH OPHTHALMOPLEGIA. Identifiers: Orphanet 363677, Orphanet 79091, MedGen C1854106, MONDO:0011577, OMIM 605637.

Allele frequency attached by ClinVar (database versions not stated): gnomAD exomes below 0.00001; gnomAD 0.00001; TOPMed 0.00002.

Submissions (2):

Dasa
Classification: Uncertain significance for Myopathy, proximal, and ophthalmoplegia. Last evaluated: 2025-11-09. Review status: criteria provided, single submitter. Criteria: DASA Assertion Criteria. Collection method: clinical testing. Allele origin: germline.
Comment: NM_017534.6(MYH2):c.3430G>C (p.Asp1144His) is a missense variant that results in the substitution of aspartic acid with histidine. This variant is rare in population databases. Computational prediction algorithms are consistent with a deleterious effect. The currently available literature and clinical evidence are not sufficient to establish a definitive association between this variant and the reported condition. Therefore, this variant is classified as a variant of uncertain significance.

Labcorp Genetics (formerly Invitae), Labcorp
Classification: Uncertain significance for Myopathy, proximal, and ophthalmoplegia. Last evaluated: 2025-09-29. Review status: criteria provided, single submitter. Criteria: Invitae Variant Classification Sherloc (09022015). Collection method: clinical testing. Allele origin: germline.
Comment: This sequence change replaces aspartic acid, which is acidic and polar, with histidine, which is basic and polar, at codon 1144 of the MYH2 protein (p.Asp1144His). This variant is not present in population databases (gnomAD no frequency). This variant has not been reported in the literature in individuals affected with MYH2-related conditions. ClinVar contains an entry for this variant (Variation ID: 1370291). Invitae Evidence Modeling of protein sequence and biophysical properties (such as structural, functional, and spatial information, amino acid conservation, physicochemical variation, residue mobility, and thermodynamic stability) indicates that this missense variant is expected to disrupt MYH2 protein function with a positive predictive value of 80%. In summary, the available evidence is currently insufficient to determine the role of this variant in disease. Therefore, it has been classified as a Variant of Uncertain Significance.

NM_017534.6(MYH2):c.3430G>C (p.Asp1144His)

Genes: MYH2 (myosin heavy chain 2; minus strand), MYHAS (myosin heavy chain gene cluster antisense RNA; plus strand). Cytogenetic location: 17p13.1.
Variant type: single nucleotide variant.
Coding change: c.3430G>C on transcript NM_017534.6 (MANE Select); coding-DNA position 3430, G replaced by C.
Protein change: p.Asp1144His; replaces aspartic acid 1144 with histidine.
Molecular consequence: missense variant.
Genome position (GRCh38, 1-based): chr17:10,529,004, C>G on the plus strand (G>C on the coding strand, the complement: MYH2 is on the minus strand). VCF-style: chr17-10529004-C-G. GRCh37 (hg19) VCF-style: chr17-10432321-C-G.
Other names: c.3430G>C, p.Asp1144His (NM_001100112.2); short protein forms D1144H.
Identifiers: ClinVar variation 1370291 (VCV001370291.8), dbSNP rs2073390411, ClinGen allele CA398134430.
Genomic context (GRCh38, chr17:10,529,004, plus strand): 5'-AAGTGGCCCCACCGGCTTCTTCCAGCCTCTCGCTGATCTCCTCCAGCTCCCGGGAGAGGT[C>G]AGAGCGCTGCTTCTCTGCTTTGGCCCGGGAGGCCCGCTCTGCCTCGATTTCCTCCTCCAG-3'
Protein context (NP_060004.3, residues 1134-1154): SRAKAEKQRS[Asp1144His]LSRELEEISE